The following is an entry in ClinVar:

ClinVar aggregate classification (germline): Pathogenic/Likely pathogenic. Review status: criteria provided, multiple submitters, no conflicts (2 of 4 stars). 4 submissions from 4 submitters: Pathogenic (1); Likely pathogenic (2). 1 of the submissions does not count toward it. Last evaluated 2025-05-26.

Conditions:
Menke-Hennekam syndrome 2 (MKHK2). Identifiers: MedGen C5193035, MONDO:0020769, OMIM 618333.
Rubinstein-Taybi syndrome due to EP300 haploinsufficiency. Also called: EP300-Related Rubinstein-Taybi Syndrome; RUBINSTEIN-TAYBI SYNDROME 2. Identifiers: Orphanet 353284, Orphanet 783, MedGen C3150941, MONDO:0013364, OMIM 613684.

Submissions (4):

GeneDx
Classification: Likely pathogenic. Last evaluated: 2025-05-26. Review status: criteria provided, single submitter. Criteria: GeneDx Variant Classification Process June 2021. Collection method: clinical testing. Allele origin: germline. Affected: yes.
Comment: Frameshift variant predicted to result in abnormal protein length as the last 110 amino acids are replaced with 46 different amino acids, and other similar variants have been reported; Not observed at significant frequency in large population cohorts (gnomAD); This variant is associated with the following publications: (PMID: 33043588)

Dasa
Classification: Likely pathogenic for Menke-Hennekam syndrome 2. Last evaluated: 2025-04-23. Review status: criteria provided, single submitter. Criteria: DASA Assertion Criteria. Collection method: clinical testing. Allele origin: germline.
Comment: NM_001429.4(EP300):c.6915_6918del (p.Asn2305Lysfs*47) is a frameshift variant in EP300 predicted to alter the reading frame and introduce a premature termination codon and is predicted to result in an absent or altered protein product. Loss of function is an established disease mechanism for EP300 (PMID: 15706485; PMID: 19353645). Also, this variant is absent from population databases. Based on the currently available evidence, this variant is classified as likely pathogenic.

Genetic Services Laboratory, University of Chicago
Classification: Pathogenic for Rubinstein-Taybi syndrome 2. Last evaluated: 2015-02-09. Review status: criteria provided, single submitter. Criteria: ACMG Guidelines, 2015. Collection method: clinical testing. Allele origin: germline. Affected: yes.

Gharavi Laboratory, Columbia University
Classification: Likely pathogenic for Rubinstein-Taybi syndrome 2; Menke-Hennekam syndrome 2. Last evaluated: 2024-11-05. Review status: no assertion criteria provided. Criteria: ACMG Guidelines, 2015. Collection method: case-control. Allele origin: germline. Affected: yes. Not counted in ClinVar's aggregate classification.

Literature cited by the submitters: PubMed 15706485 (cited by Dasa); PubMed 19353645 (cited by Dasa).

NM_001429.4(EP300):c.6915_6918del (p.Asn2305fs)

Gene: EP300 (EP300 lysine acetyltransferase; plus strand). Cytogenetic location: 22q13.2.
Variant type: Deletion.
Coding change: c.6915_6918del on transcript NM_001429.4 (MANE Select); coding-DNA positions 6915 to 6918, 4 bases deleted (TCAA; older notation c.6915_6918delTCAA).
Protein change: p.Asn2305fs; shifts the reading frame from asparagine 2305.
Molecular consequence: frameshift variant.
Genome position (GRCh38, 1-based): chr22:41,178,626-41,178,629, TCAA deleted; deleting any 4 consecutive bases within chr22:41,178,623-41,178,629 gives the same sequence; the c. name uses the placement nearest the transcript's 3' end. VCF-style (leftmost placement, unchanged base first): chr22-41178622-CCAAT-C. GRCh37 (hg19) VCF-style: chr22-41574626-CCAAT-C.
Other names: c.6837_6840del, p.Asn2279fs (NM_001362843.2); c.6915_6918delTCAA (NM_001429.4); short protein forms N2279fs, N2305fs.
Identifiers: ClinVar variation 210941 (VCV000210941.10), dbSNP rs797045560, ClinGen allele CA277090.